The following is an entry in ClinVar:

NM_152617.4(RNF168):c.766A>G (p.Ile256Val)

Gene: RNF168 (ring finger protein 168; minus strand). Cytogenetic location: 3q29.
Variant type: single nucleotide variant.
Coding change: c.766A>G on transcript NM_152617.4 (MANE Select); coding-DNA position 766, A replaced by G.
Protein change: p.Ile256Val; replaces isoleucine 256 with valine.
Molecular consequence: missense variant.
Genome position (GRCh38, 1-based): chr3:196,472,769, T>C on the plus strand (A>G on the coding strand, the complement: RNF168 is on the minus strand). VCF-style: chr3-196472769-T-C. GRCh37 (hg19) VCF-style: chr3-196199640-T-C.
Other names: c.766A>G (NM_152617.3); short protein forms I256V.
Identifiers: ClinVar variation 1445981 (VCV001445981.8), dbSNP rs537701160, ClinGen allele CA2780801.

ClinVar aggregate classification (germline): Uncertain significance. Review status: criteria provided, multiple submitters, no conflicts (2 of 4 stars). 2 submissions from 2 submitters: Uncertain significance (2). Last evaluated 2024-10-24.

Conditions:
Inborn genetic diseases. Identifiers: MedGen C0950123, MeSH D030342.

Allele frequency attached by ClinVar (database versions not stated): TOPMed below 0.00001; gnomAD 0.00001 and 0.00005; gnomAD exomes 0.00001 and 0.00002; ExAC 0.00003; 1000 Genomes Project 30x 0.00031; 1000 Genomes Project 0.00040.
gnomAD v4.1: 23 of 1,596,464 alleles (0.0014%); highest among the groups gnomAD compares: East Asian, 0.02%; no homozygotes.

Submissions (2):

Ambry Genetics
Classification: Uncertain significance for Inborn genetic diseases. Last evaluated: 2024-10-24. Review status: criteria provided, single submitter. Criteria: Ambry Variant Classification Scheme 2023. Collection method: clinical testing. Allele origin: germline.

Labcorp Genetics (formerly Invitae), Labcorp
Classification: Uncertain significance. Last evaluated: 2024-10-07. Review status: criteria provided, single submitter. Criteria: Invitae Variant Classification Sherloc (09022015). Collection method: clinical testing. Allele origin: germline.
Comment: This sequence change replaces isoleucine, which is neutral and non-polar, with valine, which is neutral and non-polar, at codon 256 of the RNF168 protein (p.Ile256Val). This variant is present in population databases (rs537701160, gnomAD 0.02%). This variant has not been reported in the literature in individuals affected with RNF168-related conditions. ClinVar contains an entry for this variant (Variation ID: 1445981). An algorithm developed to predict the effect of missense changes on protein structure and function outputs the following: PolyPhen-2: "Benign". The valine amino acid residue is found in multiple mammalian species, which suggests that this missense change does not adversely affect protein function. In summary, the available evidence is currently insufficient to determine the role of this variant in disease. Therefore, it has been classified as a Variant of Uncertain Significance.